The following is an entry in ClinVar:

ClinVar aggregate classification (germline): Pathogenic (1 of 4 stars; one submission).

Conditions:
Autosomal recessive nonsyndromic hearing loss 7. Also called: DEAFNESS, AUTOSOMAL RECESSIVE 11. Identifiers: Orphanet 90636, MedGen C1832978, MONDO:0010967, OMIM 600974.

Submission:

Institute of Rare Diseases, West China Hospital, Sichuan University
Classification: Pathogenic for Autosomal recessive nonsyndromic hearing loss 7. Last evaluated: 2025-01-09. Review status: criteria provided, single submitter. Criteria: ClinGen HL ACMG Specifications v1. Collection method: research. Allele origin: germline. Affected: yes.
Comment: PVS1;PM3;PM2_Supporting

NM_138691.3(TMC1):c.1598del (p.Leu533fs)

Gene: TMC1 (transmembrane channel like 1; plus strand). Cytogenetic location: 9q21.13.
Variant type: Deletion.
Coding change: c.1598del on transcript NM_138691.3 (MANE Select); coding-DNA position 1598, one base deleted (T; older notation c.1598delT).
Protein change: p.Leu533fs; shifts the reading frame from leucine 533.
Molecular consequence: frameshift variant.
Genome position (GRCh38, 1-based): chr9:72,805,413, T deleted. VCF-style (leftmost placement, unchanged base first): chr9-72805412-CT-C. GRCh37 (hg19) VCF-style: chr9-75420328-CT-C.
Other names: short protein forms L533fs.
Identifiers: ClinVar variation 3601892 (VCV003601892.1).